The following is an entry in ClinVar:

NM_001382567.1(STIM1):c.945A>T (p.Lys315Asn)

Gene: STIM1 (stromal interaction molecule 1; plus strand). Cytogenetic location: 11p15.4.
Variant type: single nucleotide variant.
Coding change: c.945A>T on transcript NM_001382567.1 (MANE Select); coding-DNA position 945, A replaced by T.
Protein change: p.Lys315Asn; replaces lysine 315 with asparagine.
Molecular consequence: missense variant.
Genome position (GRCh38, 1-based): chr11:4,074,655, A>T. VCF-style: chr11-4074655-A-T. GRCh37 (hg19) VCF-style: chr11-4095885-A-T.
Other names: c.723A>T, p.Lys241Asn (NM_001382566.1, NM_001382573.1, NM_001382574.1 and 5 more transcripts); c.945A>T, p.Lys315Asn (NM_001382568.1, NM_001382572.1, NM_003156.4 and 2 more transcripts); c.810A>T, p.Lys270Asn (NM_001382569.1); c.717A>T, p.Lys239Asn (NM_001382570.1); c.465A>T, p.Lys155Asn (NM_001382571.1); c.456A>T, p.Lys152Asn (NM_001382580.1, NM_001382581.1); short protein forms K270N, K152N, K239N, K315N, K155N, K241N.
Identifiers: ClinVar variation 4783677 (VCV004783677.1).
Genomic context (GRCh38, chr11:4,074,655, plus strand): 5'-GGAAGCCCAGCGGCTGAAGGAGCTGCGGGAGGGTACTGAGAATGAGCGGAGCCGCCAAAA[A>T]TATGCTGAGGAGGAGTTGGAGCAGGTAGGAGAGTCCACAAATTCCTGGACACCTTGACGG-3'
Protein context (NP_001369496.1, residues 305-325): EGTENERSRQ[Lys315Asn]YAEEELEQVR

ClinVar aggregate classification (germline): Uncertain significance (1 of 4 stars; one submission).

Conditions:
Stormorken syndrome (STRMK). Also called: THROMBOCYTOPATHY, ASPLENIA, AND MIOSIS. Identifiers: Orphanet 3204, MedGen C1861451, MONDO:0008497, OMIM 185070.
Combined immunodeficiency due to STIM1 deficiency. Also called: IMMUNODEFICIENCY 10; STIM1 DEFICIENCY. Identifiers: Orphanet 169090, Orphanet 317430, MedGen C2748557, MONDO:0013008, OMIM 612783.
Myopathy with tubular aggregates (TAM). Also called: Tubular Aggregate Myopathy. Identifiers: Orphanet 2593, MedGen C0410207, MONDO:0008051.

gnomAD v4.1: 1 of 1,570,852 alleles (0.000064%); highest among the groups gnomAD compares: Middle Eastern, 0.017%; no homozygotes.

Submission:

Labcorp Genetics (formerly Invitae), Labcorp
Classification: Uncertain significance for Myopathy with tubular aggregates; Combined immunodeficiency due to STIM1 deficiency; Stormorken syndrome. Last evaluated: 2025-11-13. Review status: criteria provided, single submitter. Criteria: Invitae Variant Classification Sherloc (09022015). Collection method: clinical testing. Allele origin: germline.
Comment: This sequence change replaces lysine, which is basic and polar, with asparagine, which is neutral and polar, at codon 315 of the STIM1 protein (p.Lys315Asn). This variant is not present in population databases (gnomAD no frequency). This variant has not been reported in the literature in individuals affected with STIM1-related conditions. Invitae Evidence Modeling of protein sequence and biophysical properties (such as structural, functional, and spatial information, amino acid conservation, physicochemical variation, residue mobility, and thermodynamic stability) has been performed for this missense variant. However, the output from this modeling did not meet the statistical confidence thresholds required to predict the impact of this variant on STIM1 protein function. In summary, the available evidence is currently insufficient to determine the role of this variant in disease. Therefore, it has been classified as a Variant of Uncertain Significance.